The following is an entry in ClinVar:

ClinVar aggregate classification (germline): Conflicting classifications of pathogenicity. Review status: criteria provided, conflicting classifications (1 of 4 stars). 5 submissions from 5 submitters: Uncertain significance (2); Likely benign (2). 1 of the submissions does not count toward it. Last evaluated 2026-01-21.

Conditions:
GUCY2D-related disorder. Also called: GUCY2D-related condition.
Inborn genetic diseases. Identifiers: MedGen C0950123, MeSH D030342.
Leber congenital amaurosis 1 (LCA1). Also called: AMAUROSIS CONGENITA OF LEBER I; RETINAL BLINDNESS, CONGENITAL; Congenital absence of the rods and cones; Leber's congenital tapetoretinal degeneration; Leber's congenital tapetoretinal dysplasia. Identifiers: Orphanet 65, MedGen C2931258, MONDO:0008764, OMIM 204000.
Cone-rod dystrophy 6 (CORD6). Also called: RETINAL CONE DYSTROPHY 2; Cone dystrophy progressive. Identifiers: Orphanet 1872, MedGen C1866293, MONDO:0011143, OMIM 601777.

Allele frequency attached by ClinVar (database versions not stated): gnomAD exomes 0.00012 and 0.00032; ExAC 0.00031; 1000 Genomes Project 0.00060; 1000 Genomes Project 30x 0.00094; gnomAD 0.00101 and 0.00111; TOPMed 0.00131; ESP Exome Variant Server 0.00154.
gnomAD v4.1: 346 of 1,613,816 alleles (0.021%); highest among the groups gnomAD compares: African/African-American, 0.32%; 1 homozygote.

Submissions (5):

Labcorp Genetics (formerly Invitae), Labcorp
Classification: Likely benign for Leber congenital amaurosis 1; Cone-rod dystrophy 6. Last evaluated: 2026-01-21. Review status: criteria provided, single submitter. Criteria: Invitae Variant Classification Sherloc (09022015). Collection method: clinical testing. Allele origin: germline.

Blueprint Genetics
Classification: Likely benign. Last evaluated: 2024-09-11. Review status: criteria provided, single submitter. Criteria: ACMG Guidelines, 2015. Collection method: clinical testing. Allele origin: germline.

Ambry Genetics
Classification: Uncertain significance for Inborn genetic diseases. Last evaluated: 2024-02-27. Review status: criteria provided, single submitter. Criteria: Ambry Variant Classification Scheme 2023. Collection method: clinical testing. Allele origin: germline.

ARUP Laboratories, Molecular Genetics and Genomics, ARUP Laboratories
Classification: Uncertain significance. Last evaluated: 2019-08-18. Review status: criteria provided, single submitter. Criteria: ARUP Molecular Germline Variant Investigation Process. Collection method: clinical testing. Allele origin: germline.
Comment: The GUCY2D c.2164C>T; p.Arg722Trp variant (rs34331388), to our knowledge, is not reported in the medical literature or gene-specific databases. This variant is found in the African population with an overall allele frequency of 0.34% (85/24842 alleles) in the Genome Aggregation Database. The arginine at codon 722 is highly conserved, and computational analyses (SIFT, PolyPhen-2) predict that this variant is deleterious. However, due to limited information, the clinical significance of the p.Arg722Trp variant is uncertain at this time.

PreventionGenetics, part of Exact Sciences
Classification: Likely benign for GUCY2D-related condition. Last evaluated: 2024-09-10. Review status: no assertion criteria provided. Collection method: clinical testing. Allele origin: germline. Not counted in ClinVar's aggregate classification.
Comment: This variant is classified as likely benign based on ACMG/AMP sequence variant interpretation guidelines (Richards et al. 2015 PMID: 25741868, with internal and published modifications).

NM_000180.4(GUCY2D):c.2164C>T (p.Arg722Trp)

Gene: GUCY2D (guanylate cyclase 2D, retinal; plus strand). Cytogenetic location: 17p13.1.
Variant type: single nucleotide variant.
Coding change: c.2164C>T on transcript NM_000180.4 (MANE Select); coding-DNA position 2164, C replaced by T.
Protein change: p.Arg722Trp; replaces arginine 722 with tryptophan.
Molecular consequence: missense variant.
Genome position (GRCh38, 1-based): chr17:8,013,153, C>T. VCF-style: chr17-8013153-C-T. GRCh37 (hg19) VCF-style: chr17-7916471-C-T.
Other names: short protein forms R722W.
Identifiers: ClinVar variation 767221 (VCV000767221.22), dbSNP rs34331388, ClinGen allele CA8366030.